The following is an entry in ClinVar:

ClinVar aggregate classification (germline): Benign/Likely benign. Review status: criteria provided, multiple submitters, no conflicts (2 of 4 stars). 3 submissions from 3 submitters: Benign (1); Likely benign (2). Last evaluated 2025-01-09.

Conditions:
Hereditary cancer-predisposing syndrome. Also called: Neoplastic Syndromes, Hereditary; Tumor predisposition; Hereditary neoplastic syndrome; Hereditary Cancer Syndrome. Identifiers: Orphanet 140162, MedGen C0027672, MeSH D009386, MONDO:0015356.
Lynch syndrome 5 (LYNCH5). Also called: Colorectal cancer, hereditary nonpolyposis, type 5; Hereditary non-polyposis colorectal cancer, type 5. Identifiers: Orphanet 144, MedGen C1833477, MONDO:0013710, OMIM 614350. Disease mechanism: loss of function.

Allele frequency attached by ClinVar (database versions not stated): TOPMed below 0.00001.

Submissions (3):

Myriad Genetics, Inc.
Classification: Benign for Lynch syndrome 5. Last evaluated: 2025-01-09. Review status: criteria provided, single submitter. Criteria: Myriad Autosomal Dominant, Autosomal Recessive and X-Linked Classification Criteria (2023). Collection method: clinical testing. Allele origin: unknown.
Comment: This variant is considered benign. This variant is a silent/synonymous amino acid change and it is not expected to impact splicing.

Color Diagnostics, LLC DBA Color Health
Classification: Likely benign for Hereditary cancer-predisposing syndrome. Last evaluated: 2023-06-26. Review status: criteria provided, single submitter. Criteria: ACMG Guidelines, 2015. Collection method: clinical testing. Allele origin: germline.

Ambry Genetics
Classification: Likely benign for Hereditary cancer-predisposing syndrome. Last evaluated: 2018-04-13. Review status: criteria provided, single submitter. Criteria: Ambry Variant Classification Scheme 2023. Collection method: clinical testing. Allele origin: germline.

NM_000179.3(MSH6):c.4020T>C (p.Ser1340=)

Gene: MSH6 (mutS homolog 6; plus strand). Cytogenetic location: 2p16.3.
Variant type: single nucleotide variant.
Coding change: c.4020T>C on transcript NM_000179.3 (MANE Select); coding-DNA position 4020, T replaced by C.
Protein change: p.Ser1340=; no amino-acid change (serine 1340 retained).
Molecular consequence: synonymous variant.
Genome position (GRCh38, 1-based): chr2:47,806,797, T>C. VCF-style: chr2-47806797-T-C. GRCh37 (hg19) VCF-style: chr2-48033936-T-C.
Other names: c.3630T>C, p.Ser1210= (NM_001281492.2); c.3114T>C, p.Ser1038= (NM_001281493.2, NM_001281494.2).
Identifiers: ClinVar variation 824514 (VCV000824514.6), dbSNP rs1558395612, ClinGen allele CA426122261.